The following is an entry in ClinVar:

NM_130839.5(UBE3A):c.1641C>G (p.Asp547Glu)

Genes: SNHG14 (small nucleolar RNA host gene 14; plus strand), UBE3A (ubiquitin protein ligase E3A; minus strand). Cytogenetic location: 15q11.2.
Variant type: single nucleotide variant.
Coding change: c.1641C>G on transcript NM_130839.5 (MANE Select); coding-DNA position 1641, C replaced by G.
Protein change: p.Asp547Glu; replaces aspartic acid 547 with glutamic acid.
Molecular consequence: missense variant. On other transcripts: non-coding transcript variant (1).
Genome position (GRCh38, 1-based): chr15:25,360,495, G>C on the plus strand (C>G on the coding strand, the complement: UBE3A is on the minus strand). VCF-style: chr15-25360495-G-C. GRCh37 (hg19) VCF-style: chr15-25605642-G-C.
Other names: c.1650C>G, p.Asp550Glu (NM_000462.5); c.1641C>G, p.Asp547Glu (NM_001354505.1, NM_001354545.2, NM_001354538.2); c.1581C>G, p.Asp527Glu (NM_001354506.2, NM_001354540.2, NM_001354541.2 and 17 more transcripts); c.1464C>G, p.Asp488Glu (NM_001354546.2); c.390C>G, p.Asp130Glu (NM_001354550.2); c.330C>G, p.Asp110Glu (NM_001354551.2); short protein forms D527E, D550E, D488E, D110E, D130E, D547E.
Identifiers: ClinVar variation 4088128 (VCV004088128.1).
Genomic context (GRCh38, chr15:25,360,495, plus strand): 5'-AACACCTCCCTCATCAACTCCTTGTTCTCCTTCAAATTCCACATACAACTGCTTCTTCAA[G>C]TCTGCAGGATTTTCCATAGCGATCATCTCTAGCTAGTGATTGAAAAGATAAACATGAAAA-3'
Protein context (NP_570854.1, residues 537-557): LEMIAMENPA[Asp547Glu]LKKQLYVEFE

ClinVar aggregate classification (germline): Uncertain significance (1 of 4 stars; one submission).

Submission:

GeneDx
Classification: Uncertain significance. Last evaluated: 2025-03-23. Review status: criteria provided, single submitter. Criteria: GeneDx Variant Classification Process June 2021. Collection method: clinical testing. Allele origin: germline. Affected: yes.
Comment: Not observed at significant frequency in large population cohorts (gnomAD); In silico analysis supports that this missense variant has a deleterious effect on protein structure/function; Has not been previously published as pathogenic or benign to our knowledge